The following is an entry in ClinVar:

NM_181882.3(PRX):c.3966G>A (p.Glu1322=)

Gene: PRX (periaxin; minus strand). Cytogenetic location: 19q13.2.
Variant type: single nucleotide variant.
Coding change: c.3966G>A on transcript NM_181882.3 (MANE Select); coding-DNA position 3966, G replaced by A.
Protein change: p.Glu1322=; no amino-acid change (glutamic acid 1322 retained).
Molecular consequence: synonymous variant. On other transcripts: 3 prime UTR variant (1).
Genome position (GRCh38, 1-based): chr19:40,394,386, C>T on the plus strand (G>A on the coding strand, the complement: PRX is on the minus strand). VCF-style: chr19-40394386-C-T. GRCh37 (hg19) VCF-style: chr19-40900293-C-T.
Other names: p.Glu1322=; c.*4171G>A (NM_020956.2).
Identifiers: ClinVar variation 1161916 (VCV001161916.10), dbSNP rs1364542566, ClinGen allele CA507678051.

ClinVar aggregate classification (germline): Likely benign. Review status: criteria provided, multiple submitters, no conflicts (2 of 4 stars). 2 submissions from 2 submitters: Likely benign (2). Last evaluated 2025-10-10.

Conditions:
Charcot-Marie-Tooth disease type 4. Also called: Charcot-Marie-Tooth, Type 4; Charcot-Marie-Tooth disease, type IV. Identifiers: Orphanet 64749, MedGen C4082197, MONDO:0018995.

Allele frequency attached by ClinVar (database versions not stated): gnomAD exomes below 0.00001 and 0.00004; gnomAD 0.00001; TOPMed 0.00002.
gnomAD v4.1: 51 of 1,600,886 alleles (0.0032%); highest among the groups gnomAD compares: Non-Finnish European, 0.0043%; no homozygotes.

Submissions (2):

Mayo Clinic Laboratories, Mayo Clinic
Classification: Likely benign. Last evaluated: 2025-10-10. Review status: criteria provided, single submitter. Criteria: ACMG Guidelines, 2015. Collection method: clinical testing. Allele origin: germline. Observed: 1 variant allele.
Comment: BP4, BP7

Labcorp Genetics (formerly Invitae), Labcorp
Classification: Likely benign for Charcot-Marie-Tooth disease type 4. Last evaluated: 2025-08-24. Review status: criteria provided, single submitter. Criteria: Invitae Variant Classification Sherloc (09022015). Collection method: clinical testing. Allele origin: germline.